The following continues an entry in ClinVar:

NM_005343.4(HRAS):c.38G>A (p.Gly13Asp)

ClinVar aggregate classification (germline): Pathogenic. Pathogenic (16). ClinVar aggregate classification (somatic clinical impact): Tier I - Strong. ClinVar aggregate classification (oncogenicity): Oncogenic.

Submissions 7 to 23 of 23:

Labcorp Genetics (formerly Invitae), Labcorp
Classification: Pathogenic for Costello syndrome. Last evaluated: 2023-10-28. Review status: criteria provided, single submitter. Criteria: Invitae Variant Classification Sherloc (09022015). Collection method: clinical testing. Allele origin: germline.
Comment: This sequence change replaces glycine, which is neutral and non-polar, with aspartic acid, which is acidic and polar, at codon 13 of the HRAS protein (p.Gly13Asp). This variant is not present in population databases (gnomAD no frequency). This missense change has been observed in individuals with Costello syndrome (PMID: 28371260). ClinVar contains an entry for this variant (Variation ID: 12604). Advanced modeling of protein sequence and biophysical properties (such as structural, functional, and spatial information, amino acid conservation, physicochemical variation, residue mobility, and thermodynamic stability) performed at Invitae indicates that this missense variant is expected to disrupt HRAS protein function with a positive predictive value of 95%. Experimental studies have shown that this missense change affects HRAS function (PMID: 21850009). This variant disrupts the p.Gly13 amino acid residue in HRAS. Other variant(s) that disrupt this residue have been determined to be pathogenic (PMID: 16329078, 18042262, 21438134). This suggests that this residue is clinically significant, and that variants that disrupt this residue are likely to be disease-causing. For these reasons, this variant has been classified as Pathogenic.

GeneDx
Classification: Pathogenic. Last evaluated: 2023-08-28. Review status: criteria provided, single submitter. Criteria: GeneDx Variant Classification Process June 2021. Collection method: clinical testing. Allele origin: germline. Affected: yes.
Comment: Published functional studies demonstrate aberrant RAS pathway activity (Niihori et al., 2011; Wey et al., 2013); Not observed in large population cohorts (gnomAD); This variant is associated with the following publications: (PMID: 24803665, 24224811, 23751039, 23093928, 23487764, 28371260, 28425981, 30050098, 29907801, 32732226, 33726816, 34958143, 34906519, 21850009, 16170316)

Baylor Genetics
Classification: Pathogenic for Costello syndrome. Last evaluated: 2023-08-18. Review status: criteria provided, single submitter. Criteria: ACMG Guidelines, 2015. Collection method: clinical testing. Allele origin: unknown.

Fulgent Genetics
Classification: Pathogenic for Malignant tumor of urinary bladder; Large congenital melanocytic nevus; Epidermal nevus; Linear nevus sebaceous syndrome; Thyroid cancer, nonmedullary, 2; Costello syndrome. Last evaluated: 2022-03-10. Review status: criteria provided, single submitter. Criteria: ACMG Guidelines, 2015. Collection method: clinical testing. Allele origin: unknown.

Department of Maternal-Fetal Biology, National Research Institute for Child Health and Development
Classification: Pathogenic for Costello syndrome. Last evaluated: 2022-01-01. Review status: criteria provided, single submitter. Criteria: ACMG Guidelines, 2015. Collection method: research. Allele origin: de novo. Affected: yes. Observed: 1 variant allele.

Provincial Medical Genetics Program of British Columbia, University of British Columbia
Classification: Pathogenic for Costello syndrome. Last evaluated: 2022-01-01. Review status: criteria provided, single submitter. Criteria: ACMG Guidelines, 2015. Collection method: clinical testing. Allele origin: de novo. Affected: yes.

CeGaT Center for Human Genetics Tuebingen
Classification: Pathogenic. Last evaluated: 2021-07-01. Review status: criteria provided, single submitter. Criteria: CeGaT Center For Human Genetics Tuebingen Variant Classification Criteria Version 2. Collection method: clinical testing. Allele origin: germline. Affected: yes. Observed: 3 variant alleles.

Genomic Medicine Lab, University of California San Francisco
Classification: Pathogenic for Non-immune hydrops fetalis. Last evaluated: 2020-06-18. Review status: criteria provided, single submitter. Criteria: ACMG Guidelines, 2015. Collection method: clinical testing. Allele origin: de novo. Inheritance: Autosomal dominant inheritance. Affected: yes. Study: CSER-P3EGS.

Women's Health and Genetics/Laboratory Corporation of America, LabCorp
Classification: Pathogenic for Rasopathy. Last evaluated: 2018-01-15. Review status: criteria provided, single submitter. Criteria: LabCorp Variant Classification Summary - May 2015. Collection method: clinical testing. Allele origin: germline.
Comment: Variant summary: The HRAS c.38G>A (p.Gly13Asp) variant involves the alteration of a highly conserved nucleotide. The variant is located within the GTP/Mg2+ binding site in the conserved domain of Ras GTPase. 4/5 in silico tools predict a damaging outcome for this variant and it was experimentally confirmed to cause activation of RAS in vitro. This variant is absent from control dataset of gnomAD (~276492 chrs tested), but was identified in several Costello patients as a de novo event (Aoki_2005; Schulz _2008). The Gly13 codon appears to be a mutational hotspot, as other alterations, such as G13V and G13C, have been reported in patients with Costello Syndrome. Taken together, this variant is classified as Pathogenic.

Genome Diagnostics Laboratory, The Hospital for Sick Children
Classification: Pathogenic for Noonan syndrome and Noonan-related syndrome. Last evaluated: 2016-12-12. Review status: criteria provided, single submitter. Criteria: ACMG Guidelines, 2015. Collection method: clinical testing. Allele origin: germline. Affected: yes.

Molecular Diagnostics Lab, Nemours Children's Health, Delaware
Classification: Pathogenic for Costello syndrome. Last evaluated: 2014-06-04. Review status: criteria provided, single submitter. Criteria: ACMG Guidelines, 2015. Collection method: clinical testing. Allele origin: unknown. Affected: yes. Observed: 1 variant allele.

Juno Genomics, Hangzhou Juno Genomics, Inc
Classification: Pathogenic for Large congenital melanocytic nevus; Thyroid cancer, nonmedullary, 2; Malignant tumor of urinary bladder; Costello syndrome; Epidermal nevus; Linear nevus sebaceous syndrome. Review status: criteria provided, single submitter. Criteria: ACMG Guidelines, 2015. Collection method: clinical testing. Allele origin: germline. Affected: yes.
Comment: Absent from controls (or at extremely low frequency if recessive) in Genome Aggregation Database, Exome Sequencing Project, 1000 Genomes Project, or Exome Aggregation Consortium.;Located in a mutational hot spot and/or critical and well-established functional domain (e.g. active site of an enzyme) without benign variation.;The prevalence of the variant in affected individuals is significantly increased compared to the prevalence in controls.;De novo (both maternity and paternity confirmed) in a patient with the disease and no family history.;Well-established in vitro or in vivo functional studies supportive of a damaging effect on the gene or gene product.

Institute Of Reproduction And Development, Obstetrics and Gynecology Hospital, Fudan University
Classification: Pathogenic for Costello syndrome. Last evaluated: 2022-04-02. Review status: no assertion criteria provided. Collection method: research. Allele origin: germline. Affected: yes. Not counted in ClinVar's aggregate classification.

OMIM
Classification: Pathogenic for COSTELLO SYNDROME. Last evaluated: 2005-10-01. Review status: no assertion criteria provided. Collection method: literature only. Allele origin: germline. Not counted in ClinVar's aggregate classification.

Dr. Peter K. Rogan Lab, Western University
No classification provided (evidence only). Condition: Melanoma. Review status: no classification provided. Collection method: in vitro. Allele origin: not applicable. Functional consequence: skipped exon, retained intron. Not counted in ClinVar's aggregate classification.

Dr. Peter K. Rogan Lab, Western University
No classification provided (evidence only). Condition: Melanoma. Review status: no classification provided. Collection method: in vitro. Allele origin: not applicable. Functional consequence: skipped exon. Not counted in ClinVar's aggregate classification.

Dr. Peter K. Rogan Lab, Western University
No classification provided (evidence only). Condition: Malignant tumor of urinary bladder. Review status: no classification provided. Collection method: in vitro. Allele origin: not applicable. Functional consequence: skipped exon, retained intron. Not counted in ClinVar's aggregate classification.

Literature cited by the submitters: PubMed 28371260 (cited by 3 submitters); PubMed 16170316 (cited by 5 submitters); PubMed 21850009 (cited by Variantyx, Inc. and Labcorp Genetics (formerly Invitae), Labcorp); PubMed 20301680 (cited by Victorian Clinical Genetics Services, Murdoch Childrens Research Institute); PubMed 31222966 (cited by Victorian Clinical Genetics Services, Murdoch Childrens Research Institute); PubMed 16372351 (cited by 3billion); PubMed 24436047 (cited by Institute for Genomic Medicine (IGM) Clinical Laboratory, Nationwide Children's Hospital); PubMed 16329078 (cited by Labcorp Genetics (formerly Invitae), Labcorp); PubMed 18042262 (cited by Labcorp Genetics (formerly Invitae), Labcorp and Women's Health and Genetics/Laboratory Corporation of America, LabCorp); PubMed 21438134 (cited by Labcorp Genetics (formerly Invitae), Labcorp); PubMed 22190897 (cited by Women's Health and Genetics/Laboratory Corporation of America, LabCorp); PubMed 23487764 (cited by Women's Health and Genetics/Laboratory Corporation of America, LabCorp); PubMed 24224811 (cited by Women's Health and Genetics/Laboratory Corporation of America, LabCorp); PubMed 23751039 (cited by Women's Health and Genetics/Laboratory Corporation of America, LabCorp); PubMed 23429430 (cited by Women's Health and Genetics/Laboratory Corporation of America, LabCorp); PubMed 23093928 (cited by Women's Health and Genetics/Laboratory Corporation of America, LabCorp).